The following is an entry in ClinVar:

NM_003242.6(TGFBR2):c.1237C>G (p.Leu413Val)

Gene: TGFBR2 (transforming growth factor beta receptor 2; plus strand). Cytogenetic location: 3p24.1.
Variant type: single nucleotide variant.
Coding change: c.1237C>G on transcript NM_003242.6 (MANE Select); coding-DNA position 1237, C replaced by G.
Protein change: p.Leu413Val; replaces leucine 413 with valine.
Molecular consequence: missense variant. On other transcripts: intron variant (1).
Genome position (GRCh38, 1-based): chr3:30,672,420, C>G. VCF-style: chr3-30672420-C-G. GRCh37 (hg19) VCF-style: chr3-30713912-C-G.
Other names: c.1312C>G, p.Leu438Val (NM_001024847.3); c.1420C>G, p.Leu474Val (NM_001407126.1); c.1345C>G, p.Leu449Val (NM_001407127.1); c.1264C>G, p.Leu422Val (NM_001407128.1); c.1240C>G, p.Leu414Val (NM_001407129.1); c.1237C>G, p.Leu413Val (NM_001407130.1); c.1132C>G, p.Leu378Val (NM_001407132.1, NM_001407133.1, NM_001407134.1 and 2 more transcripts); c.952C>G, p.Leu318Val (NM_001407137.1); and 2 more; short protein forms L293V, L449V, L413V, L318V, L378V, L414V, L422V, L438V.
Identifiers: ClinVar variation 4183588 (VCV004183588.2).

ClinVar aggregate classification (germline): Uncertain significance. Review status: criteria provided, multiple submitters, no conflicts (2 of 4 stars). 2 submissions from 2 submitters: Uncertain significance (2). Last evaluated 2026-02-09.

Conditions:
Familial thoracic aortic aneurysm and aortic dissection (TAAD). Also called: Thoracic aortic aneurysms and dissections. Identifiers: Orphanet 91387, MedGen C4707243, MONDO:0019625.

Submissions (2):

Helix
Classification: Uncertain significance for Familial thoracic aortic aneurysm and aortic dissection. Last evaluated: 2026-02-09. Review status: criteria provided, single submitter. Criteria: ACMG Guidelines, 2015. Collection method: clinical testing. Allele origin: germline. Inheritance: Autosomal dominant inheritance.
Comment: This variant (NM_003242.6:c.1237C>G p.Leu413Val) results in the substitution of leucine with valine at codon 413 in the TGFBR2 protein. It is a rare variant that is absent from the large gnomAD population database (v4.1). To our knowledge, this variant has not been reported in individuals with TGFBR2-related conditions in the published literature. In silico prediction from REVEL (PMID: 27666373) suggests that this variant may be benign. This variant is present in ClinVar (Variation ID: 4183588). In conclusion, since the available evidence is limited, the clinical significance of this variant is unclear at this time. Therefore, it is classified as a Variant of Uncertain Significance.

Ambry Genetics
Classification: Uncertain significance for Familial thoracic aortic aneurysm and aortic dissection. Last evaluated: 2025-07-22. Review status: criteria provided, single submitter. Criteria: Ambry Variant Classification Scheme 2023. Collection method: clinical testing. Allele origin: germline.
Comment: The p.L413V variant (also known as c.1237C>G), located in coding exon 4 of the TGFBR2 gene, results from a C to G substitution at nucleotide position 1237. The leucine at codon 413 is replaced by valine, an amino acid with highly similar properties. This amino acid position is conserved. In addition, this alteration is predicted to be tolerated by in silico analysis. Based on the available evidence, the clinical significance of this variant remains unclear.